The following is an entry in ClinVar:

ClinVar aggregate classification (germline): Likely benign. Review status: criteria provided, multiple submitters, no conflicts (2 of 4 stars). 3 submissions from 3 submitters: Likely benign (3). Last evaluated 2025-10-19.

Conditions:
FMN1-related disorder. Also called: FMN1-related condition.

Allele frequency attached by ClinVar (database versions not stated): ExAC 0.00028; gnomAD exomes 0.00028; 1000 Genomes Project 30x 0.00094; 1000 Genomes Project 0.00140; TOPMed 0.00159; gnomAD 0.00173 and 0.00180.

Submissions (3):

PreventionGenetics, part of Exact Sciences
Classification: Likely benign for FMN1-related condition. Last evaluated: 2025-10-19. Review status: criteria provided, single submitter. Criteria: ACMG Guidelines, 2015. Collection method: clinical testing. Allele origin: germline.
Comment: This variant is classified as likely benign based on ACMG/AMP sequence variant interpretation guidelines (Richards et al. 2015 PMID: 25741868, with internal and published modifications).

Labcorp Genetics (formerly Invitae), Labcorp
Classification: Likely benign. Last evaluated: 2025-09-25. Review status: criteria provided, single submitter. Criteria: Invitae Variant Classification Sherloc (09022015). Collection method: clinical testing. Allele origin: germline.

Breakthrough Genomics
Classification: Likely benign. Review status: criteria provided, single submitter. Criteria: ACMG Guidelines, 2015. Collection method: not provided. Allele origin: germline. Inheritance: Unknown mechanism. Affected: yes.

NM_001277313.2(FMN1):c.1243G>A (p.Gly415Arg)

Gene: FMN1 (formin 1; minus strand). Cytogenetic location: 15q13.3.
Variant type: single nucleotide variant.
Coding change: c.1243G>A on transcript NM_001277313.2 (MANE Select); coding-DNA position 1243, G replaced by A.
Protein change: p.Gly415Arg; replaces glycine 415 with arginine.
Molecular consequence: missense variant.
Genome position (GRCh38, 1-based): chr15:33,153,672, C>T on the plus strand (G>A on the coding strand, the complement: FMN1 is on the minus strand). VCF-style: chr15-33153672-C-T. GRCh37 (hg19) VCF-style: chr15-33445873-C-T.
Other names: c.1243G>A, p.Gly415Arg (NM_001277314.2); c.1243G>A (NM_001277313.1); short protein forms G415R.
Identifiers: ClinVar variation 1669175 (VCV001669175.10), dbSNP rs375705020, ClinGen allele CA7457534.